The following is an entry in ClinVar:

ClinVar aggregate classification (germline): Pathogenic/Likely pathogenic. Review status: criteria provided, multiple submitters, no conflicts (2 of 4 stars). 2 submissions from 2 submitters: Pathogenic (1); Likely pathogenic (1). Last evaluated 2026-02-06.

Allele frequency attached by ClinVar (database versions not stated): gnomAD exomes below 0.00001; gnomAD 0.00001; TOPMed below 0.00001.

Submissions (2):

GeneDx
Classification: Likely pathogenic. Last evaluated: 2026-02-06. Review status: criteria provided, single submitter. Criteria: GeneDx Variant Classification Process June 2021. Collection method: clinical testing. Allele origin: germline. Affected: yes.
Comment: Frameshift variant predicted to result in protein truncation or nonsense mediated decay in a gene for which loss of function is a known mechanism of disease; Not observed at a significant frequency in large population cohorts (gnomAD); Has not been previously published as pathogenic or benign to our knowledge

Revvity Omics, Revvity
Classification: Pathogenic. Last evaluated: 2020-04-04. Review status: criteria provided, single submitter. Criteria: ACMG Guidelines, 2015. Collection method: clinical testing. Allele origin: germline.

NM_182961.4(SYNE1):c.7161del (p.Lys2388fs)

Gene: SYNE1 (spectrin repeat containing nuclear envelope protein 1; minus strand). Cytogenetic location: 6q25.2.
Variant type: Deletion.
Coding change: c.7161del on transcript NM_182961.4 (MANE Select); coding-DNA position 7161, one base deleted (G; older notation c.7161delG).
Protein change: p.Lys2388fs; shifts the reading frame from lysine 2388.
Molecular consequence: frameshift variant.
Genome position (GRCh38, 1-based): chr6:152,399,692, C deleted on the plus strand (G on the coding strand, the reverse complement: SYNE1 is on the minus strand). VCF-style (leftmost placement, unchanged base first): chr6-152399691-TC-T. GRCh37 (hg19) VCF-style: chr6-152720826-TC-T.
Other names: c.7182delG (NM_033071.3); c.7182del, p.Lys2395fs (NM_033071.5); short protein forms K2388fs, K2395fs.
Identifiers: ClinVar variation 1190252 (VCV001190252.7), dbSNP rs1220584620, ClinGen allele CA571438280.